The following is an entry in ClinVar:

ClinVar aggregate classification (germline): Uncertain significance (1 of 4 stars; one submission).

Conditions:
Hereditary factor VIII deficiency disease (HEMA). Also called: Hemophilia A; HEMOPHILIA, CLASSIC; Hemophilia A, congenital; HEM A; Factor 8 deficiency, congenital; AUTOSOMAL HEMOPHILIA A. Identifiers: Orphanet 98878, MedGen C0019069, MONDO:0010602, OMIM 306700.

Submission:

3billion
Classification: Uncertain significance for Hereditary factor VIII deficiency disease. Last evaluated: 2025-07-11. Review status: criteria provided, single submitter. Criteria: ACMG Guidelines, 2015. Collection method: clinical testing. Allele origin: germline. Affected: yes.
Comment: The variant is not observed in the gnomAD v4.1.0 dataset. Predicted Consequence/Location: Intron variant In silico tools predict the variant to alter splicing and produce an abnormal transcript [SpliceAI: 0.29 (>=0.2, moderate evidence for spliceogenicity)]. The variant has been reported as of uncertain significance (PMID: 31063249). Therefore, this variant is classified as VUS according to the recommendation of ACMG/AMP guideline.

NM_000132.4(F8):c.5999-763G>A

Gene: F8 (coagulation factor VIII; minus strand). Cytogenetic location: Xq28.
Variant type: single nucleotide variant.
Coding change: c.5999-763G>A on transcript NM_000132.4 (MANE Select); 763 bases into the intron before coding-DNA position 5999, G replaced by A.
Molecular consequence: intron variant.
Genome position (GRCh38, 1-based): chrX:154,902,930, C>T on the plus strand (G>A on the coding strand, the complement: F8 is on the minus strand). VCF-style: chrX-154902930-C-T. GRCh37 (hg19) VCF-style: chrX-154131205-C-T.
Identifiers: ClinVar variation 4854655 (VCV004854655.1).
Genomic context (GRCh38, chrX:154,902,930, plus strand): 5'-AGGGGTTGTGGGGAAGCACGATCATCACAAGGTACAGAAACAGAGGACTCAACCATGTCT[C>T]CCTTTTCCAATGCAGACTTCCAGCCTGATGCAGGCTCAAGTTGGAGGAGGGGAGATTGAA-3'